The following is an entry in ClinVar:

ClinVar aggregate classification (germline): Benign. Review status: criteria provided, multiple submitters, no conflicts (2 of 4 stars). 7 submissions from 7 submitters: Benign (6). 1 of the submissions does not count toward it. Last evaluated 2026-02-01.

Conditions:
Microcephalic primordial dwarfism due to ZNF335 deficiency. Also called: Primary autosomal recessive microcephaly 10. Identifiers: Orphanet 329228, MedGen C3554499, MONDO:0014043, OMIM 615095.

Allele frequency attached by ClinVar (database versions not stated): 1000 Genomes Project 0.18570; 1000 Genomes Project 30x 0.18676; TOPMed 0.30468; gnomAD 0.31475 and 0.32130; gnomAD exomes 0.32834 and 0.40127; ExAC 0.33129; ESP Exome Variant Server 0.33374.
gnomAD v4.1: 632,521 of 1,612,760 alleles (39%); highest among the groups gnomAD compares: Non-Finnish European, 44%; 134,038 homozygotes.

Submissions (7):

Labcorp Genetics (formerly Invitae), Labcorp
Classification: Benign. Last evaluated: 2026-02-01. Review status: criteria provided, single submitter. Criteria: Invitae Variant Classification Sherloc (09022015). Collection method: clinical testing. Allele origin: germline.

Blueprint Genetics
Classification: Benign. Last evaluated: 2024-11-28. Review status: criteria provided, single submitter. Criteria: ACMG Guidelines, 2015. Collection method: clinical testing. Allele origin: germline.

Genome-Nilou Lab
Classification: Benign for Microcephalic primordial dwarfism due to ZNF335 deficiency. Last evaluated: 2021-12-05. Review status: criteria provided, single submitter. Criteria: ACMG Guidelines, 2015. Collection method: clinical testing. Allele origin: germline. Affected: no.

GeneDx
Classification: Benign. Last evaluated: 2018-07-17. Review status: criteria provided, single submitter. Criteria: GeneDx Variant Classification Process June 2021. Collection method: clinical testing. Allele origin: germline. Affected: yes.

Eurofins Ntd Llc (ga)
Classification: Benign. Last evaluated: 2016-05-17. Review status: criteria provided, single submitter. Criteria: EGL Classification Definitions 2015. Collection method: clinical testing. Allele origin: germline. Observed: 1 variant allele, 1 homozygote.

Breakthrough Genomics
Classification: Benign. Review status: criteria provided, single submitter. Criteria: ACMG Guidelines, 2015. Collection method: not provided. Allele origin: germline. Inheritance: Autosomal recessive inheritance. Affected: yes.

Genetic Services Laboratory, University of Chicago
Classification: Likely benign for AllHighlyPenetrant. Review status: no assertion criteria provided. Collection method: clinical testing. Allele origin: germline. Inheritance: Autosomal recessive inheritance. Not counted in ClinVar's aggregate classification.
Comment: Likely benign based on allele frequency in 1000 Genomes Project or ESP global frequency and its presence in a patient with a rare or unrelated disease phenotype. NOT Sanger confirmed.

NM_022095.4(ZNF335):c.642C>T (p.Ser214=)

Gene: ZNF335 (zinc finger protein 335; minus strand). Cytogenetic location: 20q13.12.
Variant type: single nucleotide variant.
Coding change: c.642C>T on transcript NM_022095.4 (MANE Select); coding-DNA position 642, C replaced by T.
Protein change: p.Ser214=; no amino-acid change (serine 214 retained).
Molecular consequence: synonymous variant.
Genome position (GRCh38, 1-based): chr20:45,967,906, G>A on the plus strand (C>T on the coding strand, the complement: ZNF335 is on the minus strand). VCF-style: chr20-45967906-G-A. GRCh37 (hg19) VCF-style: chr20-44596545-G-A.
Identifiers: ClinVar variation 130807 (VCV000130807.22), dbSNP rs3848719, ClinGen allele CA156098.
Genomic context (GRCh38, chr20:45,967,906, plus strand): 5'-CTCCAGGCTCTGCAGGTCCGGCTCTTCGGCACCGGAGGCTGGGGGCAGCTGCACCGGGGA[G>A]CTGGGCCCACCCTGTGCCTCCAGGCATGTGGATGTGGATGTGGGGCCATCTGCCAGGGCC-3'
Protein context (NP_071378.1, residues 204-224): STCLEAQGGP[Ser214=]SPVQLPPASG